The following is an entry in ClinVar:

NM_014000.3(VCL):c.1273C>A (p.Pro425Thr)

Gene: VCL (vinculin; plus strand). Cytogenetic location: 10q22.2.
Variant type: single nucleotide variant.
Coding change: c.1273C>A on transcript NM_014000.3 (MANE Select); coding-DNA position 1273, C replaced by A.
Protein change: p.Pro425Thr; replaces proline 425 with threonine.
Molecular consequence: missense variant.
Genome position (GRCh38, 1-based): chr10:74,090,119, C>A. VCF-style: chr10-74090119-C-A. GRCh37 (hg19) VCF-style: chr10-75849877-C-A.
Other names: c.1273C>A, p.Pro425Thr (NM_003373.4); short protein forms P425T.
Identifiers: ClinVar variation 5031676 (VCV005031676.1).

ClinVar aggregate classification (germline): Uncertain significance (1 of 4 stars; one submission).

Conditions:
Cardiovascular phenotype. Identifiers: MedGen CN230736.

Submission:

Ambry Genetics
Classification: Uncertain significance for Cardiovascular phenotype. Last evaluated: 2026-07-01. Review status: criteria provided, single submitter. Criteria: Ambry Variant Classification Scheme 2023. Collection method: clinical testing. Allele origin: germline.
Comment: The p.P425T variant (also known as c.1273C>A), located in coding exon 10 of the VCL gene, results from a C to A substitution at nucleotide position 1273. The proline at codon 425 is replaced by threonine, an amino acid with highly similar properties. This amino acid position is conserved. In addition, the in silico prediction for this alteration is inconclusive. Based on the available evidence, the clinical significance of this variant remains unclear.